The following is an entry in ClinVar:

NM_002485.5(NBN):c.480+5G>A

Gene: NBN (nibrin; minus strand). Cytogenetic location: 8q21.3.
Variant type: single nucleotide variant.
Coding change: c.480+5G>A on transcript NM_002485.5 (MANE Select); 5 bases into the intron after coding-DNA position 480, G replaced by A.
Molecular consequence: intron variant.
Genome position (GRCh38, 1-based): chr8:89,980,729, C>T on the plus strand (G>A on the coding strand, the complement: NBN is on the minus strand). VCF-style: chr8-89980729-C-T. GRCh37 (hg19) VCF-style: chr8-90992957-C-T.
Other names: c.234+5G>A (NM_001024688.3).
Identifiers: ClinVar variation 239201 (VCV000239201.21), dbSNP rs753578226, ClinGen allele CA4802978.

ClinVar aggregate classification (germline): Uncertain significance. Review status: criteria provided, multiple submitters, no conflicts (2 of 4 stars). 3 submissions from 3 submitters: Uncertain significance (3). Last evaluated 2025-03-01.

Conditions:
Microcephaly, normal intelligence and immunodeficiency (NBS). Also called: IMMUNODEFICIENCY, MICROCEPHALY, AND CHROMOSOMAL INSTABILITY; SEEMANOVA SYNDROME II; Nijmegen breakage syndrome; Microcephaly with normal intelligence immunodeficiency and lymphoreticular malignancies; Nonsyndromal microcephaly autosomal recessive with normal intelligence; Seemanova syndrome 2. Identifiers: Orphanet 647, MedGen C0398791, MONDO:0009623, OMIM 251260.

Allele frequency attached by ClinVar (database versions not stated): gnomAD exomes below 0.00001; ExAC 0.00001.
gnomAD v4.1: 1 of 1,606,728 alleles (0.000062%); highest among the groups gnomAD compares: South Asian, 0.0011%; no homozygotes.

Submissions (3):

CeGaT Center for Human Genetics Tuebingen
Classification: Uncertain significance. Last evaluated: 2025-03-01. Review status: criteria provided, single submitter. Criteria: CeGaT Center For Human Genetics Tuebingen Variant Classification Criteria Version 2. Collection method: clinical testing. Allele origin: germline. Affected: yes. Observed: 1 variant allele.
Comment: NBN: PM2, PP3

Labcorp Genetics (formerly Invitae), Labcorp
Classification: Uncertain significance for Microcephaly, normal intelligence and immunodeficiency. Last evaluated: 2022-09-21. Review status: criteria provided, single submitter. Criteria: Invitae Variant Classification Sherloc (09022015). Collection method: clinical testing. Allele origin: germline.
Comment: In summary, the available evidence is currently insufficient to determine the role of this variant in disease. Therefore, it has been classified as a Variant of Uncertain Significance. Variants that disrupt the consensus splice site are a relatively common cause of aberrant splicing (PMID: 17576681, 9536098). Algorithms developed to predict the effect of sequence changes on RNA splicing suggest that this variant may disrupt the consensus splice site. ClinVar contains an entry for this variant (Variation ID: 239201). This variant has been observed in individual(s) with prostate cancer (PMID: 29368341). This variant is present in population databases (rs753578226, gnomAD 0.003%). This sequence change falls in intron 4 of the NBN gene. It does not directly change the encoded amino acid sequence of the NBN protein. It affects a nucleotide within the consensus splice site.

Genome-Nilou Lab
Classification: Uncertain significance for Microcephaly, normal intelligence and immunodeficiency. Last evaluated: 2021-11-07. Review status: criteria provided, single submitter. Criteria: ACMG Guidelines, 2015. Collection method: clinical testing. Allele origin: germline. Affected: no.

Literature cited by the submitters: PubMed 17576681 (cited by Labcorp Genetics (formerly Invitae), Labcorp); PubMed 9536098 (cited by Labcorp Genetics (formerly Invitae), Labcorp); PubMed 29368341 (cited by Labcorp Genetics (formerly Invitae), Labcorp).